The following is an entry in ClinVar:

ClinVar aggregate classification (germline): Benign/Likely benign. Review status: criteria provided, multiple submitters, no conflicts (2 of 4 stars). 7 submissions from 6 submitters: Benign (4); Likely benign (3). Last evaluated 2026-01-28.

Conditions:
Senior-Loken syndrome 4 (SLSN4). Identifiers: Orphanet 3156, MedGen C1846979, MONDO:0011756, OMIM 606996.
Nephronophthisis 4 (NPHP4). Also called: NEPHRONOPHTHISIS 4, JUVENILE. Identifiers: Orphanet 655, MedGen C1847013, MONDO:0011752, OMIM 606966.
Nephronophthisis. Also called: Juvenile Nephronophthisis. Identifiers: Orphanet 655, MedGen C0687120, MONDO:0019005, HP:0000090.

Allele frequency attached by ClinVar (database versions not stated): gnomAD exomes 0.00041 and 0.00090; ExAC 0.00161; 1000 Genomes Project 0.00439; gnomAD 0.00450 and 0.00477; 1000 Genomes Project 30x 0.00453; TOPMed 0.00495; ESP Exome Variant Server 0.00534.
gnomAD v4.1: 1,331 of 1,606,842 alleles (0.083%); highest among the groups gnomAD compares: African/African-American, 1.6%; 13 homozygotes.

Submissions (7):

Labcorp Genetics (formerly Invitae), Labcorp
Classification: Benign for Nephronophthisis. Last evaluated: 2026-01-28. Review status: criteria provided, single submitter. Criteria: Invitae Variant Classification Sherloc (09022015). Collection method: clinical testing. Allele origin: germline.

Mayo Clinic Laboratories, Mayo Clinic
Classification: Likely benign. Last evaluated: 2025-08-14. Review status: criteria provided, single submitter. Criteria: ACMG Guidelines, 2015. Collection method: clinical testing. Allele origin: germline. Observed: 3 variant alleles.
Comment: BA1, BP4, BP7

Blueprint Genetics
Classification: Likely benign. Last evaluated: 2024-11-25. Review status: criteria provided, single submitter. Criteria: ACMG Guidelines, 2015. Collection method: clinical testing. Allele origin: germline.

Fulgent Genetics
Classification: Likely benign for Nephronophthisis 4; Senior-Loken syndrome 4. Last evaluated: 2021-08-05. Review status: criteria provided, single submitter. Criteria: ACMG Guidelines, 2015. Collection method: clinical testing. Allele origin: unknown.

Illumina Laboratory Services, Illumina
Classification: Benign for Nephronophthisis 4. Last evaluated: 2018-01-12. Review status: criteria provided, single submitter. Criteria: ICSL Variant Classification Criteria 13 December 2019. Collection method: clinical testing. Allele origin: germline.
Comment: This variant was observed in the ICSL laboratory as part of a predisposition screen in an ostensibly healthy population. It had not been previously curated by ICSL or reported in the Human Gene Mutation Database (HGMD: prior to June 1st, 2018), and was therefore a candidate for classification through an automated scoring system. Utilizing variant allele frequency, disease prevalence and penetrance estimates, and inheritance mode, an automated score was calculated to assess if this variant is too frequent to cause the disease. Based on the score and internal cut-off values, a variant classified as benign is not then subjected to further curation. The score for this variant resulted in a classification of benign for this disease.

Illumina Laboratory Services, Illumina
Classification: Benign for Senior-Loken syndrome 4. Last evaluated: 2018-01-12. Review status: criteria provided, single submitter. Criteria: ICSL Variant Classification Criteria 13 December 2019. Collection method: clinical testing. Allele origin: germline.
Comment: the same text as in the submission from Illumina Laboratory Services, Illumina above.

Breakthrough Genomics
Classification: Benign. Review status: criteria provided, single submitter. Criteria: ACMG Guidelines, 2015. Collection method: not provided. Allele origin: germline. Inheritance: Autosomal recessive inheritance. Affected: yes.

NM_015102.5(NPHP4):c.3894C>T (p.Ala1298=)

Gene: NPHP4 (nephrocystin 4; minus strand). Cytogenetic location: 1p36.31.
Variant type: single nucleotide variant.
Coding change: c.3894C>T on transcript NM_015102.5 (MANE Select); coding-DNA position 3894, C replaced by T.
Protein change: p.Ala1298=; no amino-acid change (alanine 1298 retained).
Molecular consequence: synonymous variant. On other transcripts: non-coding transcript variant (1).
Genome position (GRCh38, 1-based): chr1:5,864,440, G>A on the plus strand (C>T on the coding strand, the complement: NPHP4 is on the minus strand). VCF-style: chr1-5864440-G-A. GRCh37 (hg19) VCF-style: chr1-5924500-G-A.
Other names: p.Ala1298=; c.2355C>T, p.Ala785= (NM_001291593.2); c.2358C>T, p.Ala786= (NM_001291594.2).
Identifiers: ClinVar variation 462719 (VCV000462719.19), dbSNP rs60094861, ClinGen allele CA553427.